The following is an entry in ClinVar:

ClinVar aggregate classification (germline): Benign/Likely benign. Review status: criteria provided, multiple submitters, no conflicts (2 of 4 stars). 4 submissions from 4 submitters: Benign (1); Likely benign (3). Last evaluated 2025-10-08.

Conditions:
Tuberous sclerosis syndrome (TSC). Also called: Tuberous Sclerosis Complex; Tuberous sclerosis. Identifiers: Orphanet 805, MedGen C0041341, MONDO:0001734.
Hereditary cancer-predisposing syndrome. Also called: Tumor predisposition; Neoplastic Syndromes, Hereditary; Hereditary Cancer Syndrome; Hereditary neoplastic syndrome. Identifiers: Orphanet 140162, MedGen C0027672, MeSH D009386, MONDO:0015356.
Tuberous sclerosis 2 (TSC2). Identifiers: Orphanet 805, MedGen C1860707, MONDO:0013199, OMIM 613254.

Allele frequency attached by ClinVar (database versions not stated): gnomAD exomes below 0.00001; TOPMed below 0.00001; gnomAD 0.00001.
gnomAD v4.1: 3 of 1,612,874 alleles (0.00019%); highest among the groups gnomAD compares: African/African-American, 0.004%; no homozygotes.

Submissions (4):

Labcorp Genetics (formerly Invitae), Labcorp
Classification: Likely benign for Tuberous sclerosis 2. Last evaluated: 2025-10-08. Review status: criteria provided, single submitter. Criteria: Invitae Variant Classification Sherloc (09022015). Collection method: clinical testing. Allele origin: germline.

Color Diagnostics, LLC DBA Color Health
Classification: Likely benign for Tuberous sclerosis syndrome. Last evaluated: 2025-07-14. Review status: criteria provided, single submitter. Criteria: ACMG Guidelines, 2015. Collection method: clinical testing. Allele origin: germline.

Myriad Genetics, Inc.
Classification: Benign for Tuberous sclerosis 2. Last evaluated: 2025-05-28. Review status: criteria provided, single submitter. Criteria: Myriad Autosomal Dominant, Autosomal Recessive and X-Linked Classification Criteria (2023). Collection method: clinical testing. Allele origin: unknown.
Comment: This variant is considered benign. This variant is a silent/synonymous amino acid change and it is not expected to impact splicing.

Ambry Genetics
Classification: Likely benign for Hereditary cancer-predisposing syndrome. Last evaluated: 2020-03-26. Review status: criteria provided, single submitter. Criteria: Ambry Variant Classification Scheme 2023. Collection method: clinical testing. Allele origin: germline.

NM_000548.5(TSC2):c.3150C>T (p.Phe1050=)

Gene: TSC2 (TSC complex subunit 2; plus strand). Cytogenetic location: 16p13.3.
Variant type: single nucleotide variant.
Coding change: c.3150C>T on transcript NM_000548.5 (MANE Select); coding-DNA position 3150, C replaced by T.
Protein change: p.Phe1050=; no amino-acid change (phenylalanine 1050 retained).
Molecular consequence: synonymous variant.
Genome position (GRCh38, 1-based): chr16:2,079,294, C>T. VCF-style: chr16-2079294-C-T. GRCh37 (hg19) VCF-style: chr16-2129295-C-T.
Other names: c.3018C>T, p.Phe1006= (NM_001077183.3, NM_001370404.1); c.3150C>T, p.Phe1050= (NM_001114382.3); c.2910C>T, p.Phe970= (NM_001318827.2); c.2874C>T, p.Phe958= (NM_001318829.2); c.2418C>T, p.Phe806= (NM_001318831.2); c.3051C>T, p.Phe1017= (NM_001318832.2); c.3021C>T, p.Phe1007= (NM_001363528.2, NM_001370405.1, NM_021055.3).
Identifiers: ClinVar variation 413702 (VCV000413702.15), dbSNP rs1060504105, ClinGen allele CA16614756.